The following is an entry in ClinVar:

ClinVar aggregate classification (germline): Uncertain significance (1 of 4 stars; one submission).

Conditions:
Severe combined immunodeficiency due to DNA-PKcs deficiency. Also called: IMMUNODEFICIENCY 26 WITH NEUROLOGIC ABNORMALITIES; Immunodeficiency 26 with or without neurologic abnormalities. Identifiers: Orphanet 317425, MedGen C4014833, MONDO:0014423, OMIM 615966.

Allele frequency attached by ClinVar (database versions not stated): gnomAD exomes 0.00001; ExAC 0.00003; ESP Exome Variant Server 0.00008.
gnomAD v4.1: 25 of 1,572,902 alleles (0.0016%); highest among the groups gnomAD compares: African/African-American, 0.016%; no homozygotes.

Submission:

Labcorp Genetics (formerly Invitae), Labcorp
Classification: Uncertain significance for Severe combined immunodeficiency due to DNA-PKcs deficiency. Last evaluated: 2022-08-16. Review status: criteria provided, single submitter. Criteria: Invitae Variant Classification Sherloc (09022015). Collection method: clinical testing. Allele origin: germline.
Comment: This sequence change replaces arginine, which is basic and polar, with glutamine, which is neutral and polar, at codon 2328 of the PRKDC protein (p.Arg2328Gln). The frequency data for this variant in the population databases is considered unreliable, as metrics indicate poor data quality at this position in the gnomAD database. This variant has not been reported in the literature in individuals affected with PRKDC-related conditions. ClinVar contains an entry for this variant (Variation ID: 1369107). Experimental studies and prediction algorithms are not available or were not evaluated, and the functional significance of this variant is currently unknown. In summary, the available evidence is currently insufficient to determine the role of this variant in disease. Therefore, it has been classified as a Variant of Uncertain Significance.

NM_006904.7(PRKDC):c.6983G>A (p.Arg2328Gln)

Gene: PRKDC (protein kinase, DNA-activated, catalytic subunit; minus strand). Cytogenetic location: 8q11.21.
Variant type: single nucleotide variant.
Coding change: c.6983G>A on transcript NM_006904.7 (MANE Select); coding-DNA position 6983, G replaced by A.
Protein change: p.Arg2328Gln; replaces arginine 2328 with glutamine.
Molecular consequence: missense variant.
Genome position (GRCh38, 1-based): chr8:47,852,695, C>T on the plus strand (G>A on the coding strand, the complement: PRKDC is on the minus strand). VCF-style: chr8-47852695-C-T. GRCh37 (hg19) VCF-style: chr8-48765256-C-T.
Other names: c.6983G>A, p.Arg2328Gln (NM_001081640.2); short protein forms R2328Q.
Identifiers: ClinVar variation 1369107 (VCV001369107.3), dbSNP rs369112706, ClinGen allele CA4740215.